The following is an entry in ClinVar:

NM_020461.4(TUBGCP6):c.4585G>A (p.Gly1529Ser)

Gene: TUBGCP6 (tubulin gamma complex component 6; minus strand). Cytogenetic location: 22q13.33.
Variant type: single nucleotide variant.
Coding change: c.4585G>A on transcript NM_020461.4 (MANE Select); coding-DNA position 4585, G replaced by A.
Protein change: p.Gly1529Ser; replaces glycine 1529 with serine.
Molecular consequence: missense variant.
Genome position (GRCh38, 1-based): chr22:50,219,109, C>T on the plus strand (G>A on the coding strand, the complement: TUBGCP6 is on the minus strand). VCF-style: chr22-50219109-C-T. GRCh37 (hg19) VCF-style: chr22-50657538-C-T.
Other names: c.4585G>A (NM_020461.3); short protein forms G1529S.
Identifiers: ClinVar variation 1398030 (VCV001398030.8), dbSNP rs576464385, ClinGen allele CA10307440.
Genomic context (GRCh38, chr22:50,219,109, plus strand): 5'-CCCCGTGTCCGGAGGCCACCTTCTCAAAGAGCAGGTCGCTGAGGGACTGGGCGAACTCGC[C>T]GTCCTCCATCAGCAGGAAGTGCCGCAGTGCCTCATAGTGCGCCTCCAGGTGCAGCTCCAC-3'
Protein context (NP_065194.3, residues 1519-1539): ALRHFLLMED[Gly1529Ser]EFAQSLSDLL

ClinVar aggregate classification (germline): Uncertain significance. Review status: criteria provided, multiple submitters, no conflicts (2 of 4 stars). 2 submissions from 2 submitters: Uncertain significance (2). Last evaluated 2025-11-11.

Conditions:
Inborn genetic diseases. Identifiers: MedGen C0950123, MeSH D030342.

Allele frequency attached by ClinVar (database versions not stated): ExAC 0.00003; 1000 Genomes Project 30x 0.00031; 1000 Genomes Project 0.00040; gnomAD 0.00001; gnomAD exomes 0.00001 and 0.00003.
gnomAD v4.1: 10 of 1,612,976 alleles (0.00062%); highest among the groups gnomAD compares: Admixed American, 0.0067%; no homozygotes.

Submissions (2):

Ambry Genetics
Classification: Uncertain significance for Inborn genetic diseases. Last evaluated: 2025-11-11. Review status: criteria provided, single submitter. Criteria: Ambry Variant Classification Scheme 2023. Collection method: clinical testing. Allele origin: germline.

Labcorp Genetics (formerly Invitae), Labcorp
Classification: Uncertain significance. Last evaluated: 2025-01-13. Review status: criteria provided, single submitter. Criteria: Invitae Variant Classification Sherloc (09022015). Collection method: clinical testing. Allele origin: germline.
Comment: This sequence change replaces glycine, which is neutral and non-polar, with serine, which is neutral and polar, at codon 1529 of the TUBGCP6 protein (p.Gly1529Ser). This variant is present in population databases (rs576464385, gnomAD 0.01%). This variant has not been reported in the literature in individuals affected with TUBGCP6-related conditions. ClinVar contains an entry for this variant (Variation ID: 1398030). An algorithm developed to predict the effect of missense changes on protein structure and function (PolyPhen-2) suggests that this variant is likely to be disruptive. In summary, the available evidence is currently insufficient to determine the role of this variant in disease. Therefore, it has been classified as a Variant of Uncertain Significance.